The following is an entry in ClinVar:

NM_000070.3(CAPN3):c.1405G>A (p.Asp469Asn)

Gene: CAPN3 (calpain 3; plus strand). Cytogenetic location: 15q15.1.
Variant type: single nucleotide variant.
Coding change: c.1405G>A on transcript NM_000070.3 (MANE Select); coding-DNA position 1405, G replaced by A.
Protein change: p.Asp469Asn; replaces aspartic acid 469 with asparagine.
Molecular consequence: missense variant.
Genome position (GRCh38, 1-based): chr15:42,401,691, G>A. VCF-style: chr15-42401691-G-A. GRCh37 (hg19) VCF-style: chr15-42693889-G-A.
Other names: c.1405G>A, p.Asp469Asn (NM_024344.2); c.1261G>A, p.Asp421Asn (NM_173087.2); short protein forms D421N, D469N.
Identifiers: ClinVar variation 656135 (VCV000656135.9), dbSNP rs1272589475, ClinGen allele CA391999770.

ClinVar aggregate classification (germline): Uncertain significance. Review status: criteria provided, single submitter (1 of 4 stars). 2 submissions from 2 submitters: Uncertain significance (1). 1 of the submissions does not count toward it. Last evaluated 2021-08-28.

Conditions:
Autosomal recessive limb-girdle muscular dystrophy type 2A (LGMDR1). Also called: Limb-girdle muscular dystrophy, type 2A; Calpainopathy; MUSCULAR DYSTROPHY, PELVOFEMORAL; LEYDEN-MOEBIUS MUSCULAR DYSTROPHY; Muscular dystrophy, limb-girdle, type 2A, Amish. Identifiers: Orphanet 267, MedGen C1869123, MONDO:0009675, OMIM 253600. Disease mechanism: loss of function.

Allele frequency attached by ClinVar (database versions not stated): gnomAD 0.00001; gnomAD exomes 0.00001; TOPMed 0.00001.
gnomAD v4.1: 14 of 1,614,080 alleles (0.00087%); highest among the groups gnomAD compares: Middle Eastern, 0.016%; no homozygotes.

Submissions (2):

Labcorp Genetics (formerly Invitae), Labcorp
Classification: Uncertain significance for Autosomal recessive limb-girdle muscular dystrophy type 2A. Last evaluated: 2021-08-28. Review status: criteria provided, single submitter. Criteria: Invitae Variant Classification Sherloc (09022015). Collection method: clinical testing. Allele origin: germline.
Comment: This sequence change replaces aspartic acid with asparagine at codon 469 of the CAPN3 protein (p.Asp469Asn). The aspartic acid residue is highly conserved and there is a small physicochemical difference between aspartic acid and asparagine. This variant is not present in population databases (ExAC no frequency). This variant has not been reported in the literature in individuals affected with CAPN3-related conditions. Algorithms developed to predict the effect of missense changes on protein structure and function are either unavailable or do not agree on the potential impact of this missense change (SIFT: "Tolerated"; PolyPhen-2: "Probably Damaging"; Align-GVGD: "Class C0"). In summary, the available evidence is currently insufficient to determine the role of this variant in disease. Therefore, it has been classified as a Variant of Uncertain Significance.

Natera, Inc.
Classification: Uncertain significance for Limb-girdle muscular dystrophy type 2A. Last evaluated: 2021-06-18. Review status: no assertion criteria provided. Collection method: clinical testing. Allele origin: germline. Not counted in ClinVar's aggregate classification.